The following is an entry in ClinVar:

ClinVar aggregate classification (germline): Uncertain significance (1 of 4 stars; one submission).

Allele frequency attached by ClinVar (database versions not stated): gnomAD exomes 0.00001; TOPMed 0.00002; gnomAD 0.00004.
gnomAD v4.1: 9 of 1,614,000 alleles (0.00056%); highest among the groups gnomAD compares: African/African-American, 0.011%; no homozygotes.

Submission:

Labcorp Genetics (formerly Invitae), Labcorp
Classification: Uncertain significance. Last evaluated: 2022-11-22. Review status: criteria provided, single submitter. Criteria: Invitae Variant Classification Sherloc (09022015). Collection method: clinical testing. Allele origin: germline.
Comment: In summary, the available evidence is currently insufficient to determine the role of this variant in disease. Therefore, it has been classified as a Variant of Uncertain Significance. Advanced modeling of protein sequence and biophysical properties (such as structural, functional, and spatial information, amino acid conservation, physicochemical variation, residue mobility, and thermodynamic stability) performed at Invitae indicates that this missense variant is not expected to disrupt TBCK protein function. ClinVar contains an entry for this variant (Variation ID: 1468016). This variant has not been reported in the literature in individuals affected with TBCK-related conditions. This variant is present in population databases (no rsID available, gnomAD 0.02%). This sequence change replaces alanine, which is neutral and non-polar, with valine, which is neutral and non-polar, at codon 16 of the TBCK protein (p.Ala16Val).

NM_001163435.3(TBCK):c.47C>T (p.Ala16Val)

Gene: TBCK (TBC1 domain containing kinase; minus strand). Cytogenetic location: 4q24.
Variant type: single nucleotide variant.
Coding change: c.47C>T on transcript NM_001163435.3 (MANE Select); coding-DNA position 47, C replaced by T.
Protein change: p.Ala16Val; replaces alanine 16 with valine.
Molecular consequence: missense variant. On other transcripts: 5 prime UTR variant (1).
Genome position (GRCh38, 1-based): chr4:106,308,914, G>A on the plus strand (C>T on the coding strand, the complement: TBCK is on the minus strand). VCF-style: chr4-106308914-G-A. GRCh37 (hg19) VCF-style: chr4-107230071-G-A.
Other names: c.47C>T, p.Ala16Val (NM_001163436.4, NM_001163437.3, NM_033115.5); c.-571C>T (NM_001290768.2); short protein forms A16V.
Identifiers: ClinVar variation 1468016 (VCV001468016.8), dbSNP rs866678116, ClinGen allele CA103421777.